The following is an entry in ClinVar:

NM_001363711.2(DUOX2):c.3646C>T (p.Arg1216Trp)

Gene: DUOX2 (dual oxidase 2; minus strand). Cytogenetic location: 15q21.1.
Variant type: single nucleotide variant.
Coding change: c.3646C>T on transcript NM_001363711.2 (MANE Select); coding-DNA position 3646, C replaced by T.
Protein change: p.Arg1216Trp; replaces arginine 1216 with tryptophan.
Molecular consequence: missense variant.
Genome position (GRCh38, 1-based): chr15:45,097,661, G>A on the plus strand (C>T on the coding strand, the complement: DUOX2 is on the minus strand). VCF-style: chr15-45097661-G-A. GRCh37 (hg19) VCF-style: chr15-45389859-G-A.
Other names: c.3646C>T, p.Arg1216Trp (NM_014080.5); short protein forms R1216W.
Identifiers: ClinVar variation 1369473 (VCV001369473.7), dbSNP rs144886975, ClinGen allele CA7537783.

ClinVar aggregate classification (germline): Uncertain significance (1 of 4 stars; one submission).

Allele frequency attached by ClinVar (database versions not stated): ESP Exome Variant Server 0.00008.
gnomAD v4.1: 121 of 1,614,104 alleles (0.0075%); highest among the groups gnomAD compares: African/African-American, 0.041%; no homozygotes.

Submission:

Labcorp Genetics (formerly Invitae), Labcorp
Classification: Uncertain significance. Last evaluated: 2025-11-10. Review status: criteria provided, single submitter. Criteria: Invitae Variant Classification Sherloc (09022015). Collection method: clinical testing. Allele origin: germline.
Comment: This sequence change replaces arginine, which is basic and polar, with tryptophan, which is neutral and slightly polar, at codon 1216 of the DUOX2 protein (p.Arg1216Trp). This variant is present in population databases (rs144886975, gnomAD 0.03%). This missense change has been observed in individual(s) with Crohn's disease (PMID: 38456993). ClinVar contains an entry for this variant (Variation ID: 1369473). Invitae Evidence Modeling of protein sequence and biophysical properties (such as structural, functional, and spatial information, amino acid conservation, physicochemical variation, residue mobility, and thermodynamic stability) indicates that this missense variant is not expected to disrupt DUOX2 protein function with a negative predictive value of 80%. Experimental studies have shown that this missense change affects DUOX2 function (PMID: 38456993). In summary, the available evidence is currently insufficient to determine the role of this variant in disease. Therefore, it has been classified as a Variant of Uncertain Significance.

Literature cited by the submitters: PubMed 38456993.